The following is an entry in ClinVar:

NM_000085.5(CLCNKB):c.1051C>T (p.Arg351Trp)

Genes: CLCNKB (chloride voltage-gated channel Kb; plus strand), LOC106501713 (CLCNKB recombination region; plus strand). Cytogenetic location: 1p36.13.
Variant type: single nucleotide variant.
Coding change: c.1051C>T on transcript NM_000085.5 (MANE Select); coding-DNA position 1051, C replaced by T.
Protein change: p.Arg351Trp; replaces arginine 351 with tryptophan.
Molecular consequence: missense variant.
Genome position (GRCh38, 1-based): chr1:16,050,598, C>T. VCF-style: chr1-16050598-C-T. GRCh37 (hg19) VCF-style: chr1-16377093-C-T.
Other names: c.544C>T, p.Arg182Trp (NM_001165945.2); short protein forms R182W, R351W.
Identifiers: ClinVar variation 1456684 (VCV001456684.7), dbSNP rs368504008, ClinGen allele CA623674.
Genomic context (GRCh38, chr1:16,050,598, plus strand): 5'-GCCACCTTGGTTCTCGCCTCCATCACCTACCCACCCAGCGCCGGCCGCTTCCTAGCTTCT[C>T]GGGTAAGGGGCCTTGAGTGGGGTGGCAGGAGTGGGGAAGCCCTATTTGTTGCCTCCTTTG-3'
Protein context (NP_000076.2, residues 341-361): PPSAGRFLAS[Arg351Trp]LSMKQHLDSL

ClinVar aggregate classification (germline): Pathogenic/Likely pathogenic. Review status: criteria provided, multiple submitters, no conflicts (2 of 4 stars). 2 submissions from 2 submitters: Pathogenic (1); Likely pathogenic (1). Last evaluated 2024-03-16.

Conditions:
Bartter disease type 3. Also called: Bartter syndrome type 3. Identifiers: Orphanet 112, Orphanet 93605, MedGen C1846343, MONDO:0011822, OMIM 607364.
Bartter disease type 4B. Also called: BARTTER SYNDROME, TYPE 4B; Bartter syndrome, type 4b, digenic; BARTTER SYNDROME, TYPE 4B, NEONATAL, WITH SENSORINEURAL DEAFNESS. Identifiers: Orphanet 112, MedGen C4310805, MONDO:0000909, OMIM 613090.

Allele frequency attached by ClinVar (database versions not stated): TOPMed below 0.00001; gnomAD exomes 0.00001; ESP Exome Variant Server 0.00008.
gnomAD v4.1: 13 of 1,613,986 alleles (0.00081%); highest among the groups gnomAD compares: South Asian, 0.0022%; no homozygotes.

Submissions (2):

Fulgent Genetics
Classification: Likely pathogenic for Bartter disease type 3; Bartter disease type 4B. Last evaluated: 2024-03-16. Review status: criteria provided, single submitter. Criteria: ACMG Guidelines, 2015. Collection method: clinical testing. Allele origin: germline.

Labcorp Genetics (formerly Invitae), Labcorp
Classification: Pathogenic. Last evaluated: 2021-11-13. Review status: criteria provided, single submitter. Criteria: Invitae Variant Classification Sherloc (09022015). Collection method: clinical testing. Allele origin: germline.
Comment: Algorithms developed to predict the effect of missense changes on protein structure and function (SIFT, PolyPhen-2, Align-GVGD) all suggest that this variant is likely to be disruptive. Experimental studies have shown that this missense change affects CLCNKB function (PMID: 19807735). This variant disrupts the p.Arg351 amino acid residue in CLCNKB. Other variant(s) that disrupt this residue have been observed in individuals with CLCNKB-related conditions (PMID: 19807735, 23703872, 29254190, 31834604), which suggests that this may be a clinically significant amino acid residue. For these reasons, this variant has been classified as Pathogenic. This missense change has been observed in individual(s) with Bartter syndrome (PMID: 19807735, 31834604). In at least one individual the data is consistent with the variant being in trans (on the opposite chromosome) from a pathogenic variant. This sequence change replaces arginine, which is basic and polar, with tryptophan, which is neutral and slightly polar, at codon 351 of the CLCNKB protein (p.Arg351Trp). This variant is present in population databases (rs368504008, gnomAD 0.0009%).

Literature cited by the submitters: PubMed 19807735 (cited by Labcorp Genetics (formerly Invitae), Labcorp); PubMed 23703872 (cited by Labcorp Genetics (formerly Invitae), Labcorp); PubMed 29254190 (cited by Labcorp Genetics (formerly Invitae), Labcorp); PubMed 31834604 (cited by Labcorp Genetics (formerly Invitae), Labcorp).